The following is an entry in ClinVar:

ClinVar aggregate classification (germline): Uncertain significance (1 of 4 stars; one submission).

Allele frequency attached by ClinVar (database versions not stated): TOPMed 0.00001; gnomAD exomes 0.00002.
gnomAD v4.1: 34 of 1,613,798 alleles (0.0021%); highest among the groups gnomAD compares: Non-Finnish European, 0.0028%; no homozygotes.

Submission:

Labcorp Genetics (formerly Invitae), Labcorp
Classification: Uncertain significance. Last evaluated: 2026-01-27. Review status: criteria provided, single submitter. Criteria: Invitae Variant Classification Sherloc (09022015). Collection method: clinical testing. Allele origin: germline.
Comment: This sequence change replaces valine, which is neutral and non-polar, with glutamic acid, which is acidic and polar, at codon 159 of the IL23R protein (p.Val159Glu). This variant is present in population databases (no rsID available, gnomAD 0.007%). This variant has not been reported in the literature in individuals affected with IL23R-related conditions. ClinVar contains an entry for this variant (Variation ID: 2808676). An algorithm developed to predict the effect of missense changes on protein structure and function (PolyPhen-2) suggests that this variant is likely to be disruptive. Algorithms developed to predict the effect of sequence changes on RNA splicing suggest that this variant may create or strengthen a splice site. In summary, the available evidence is currently insufficient to determine the role of this variant in disease. Therefore, it has been classified as a Variant of Uncertain Significance.

NM_144701.3(IL23R):c.476T>A (p.Val159Glu)

Gene: IL23R (interleukin 23 receptor; plus strand). Cytogenetic location: 1p31.3.
Variant type: single nucleotide variant.
Coding change: c.476T>A on transcript NM_144701.3 (MANE Select); coding-DNA position 476, T replaced by A.
Protein change: p.Val159Glu; replaces valine 159 with glutamic acid.
Molecular consequence: missense variant.
Genome position (GRCh38, 1-based): chr1:67,182,944, T>A. VCF-style: chr1-67182944-T-A. GRCh37 (hg19) VCF-style: chr1-67648627-T-A.
Other names: short protein forms V159E.
Identifiers: ClinVar variation 2808676 (VCV002808676.3), dbSNP rs149318636, ClinGen allele CA340726487.
Genomic context (GRCh38, chr1:67,182,944, plus strand): 5'-CAGGCAACATGACTTGCACCTGGAATGCTGGGAAGCTCACCTACATAGACACAAAATACG[T>A]GGTACATGTGAAGAGGTAGGTCACTTCCTCACGGCTTCATATAAGCAGTTCCACCCCAGT-3'
Protein context (NP_653302.2, residues 149-169): GKLTYIDTKY[Val159Glu]VHVKSLETEE